The following is an entry in ClinVar:

NM_145071.4(CISH):c.138G>A (p.Val46=)

Gene: CISH (cytokine inducible SH2 containing protein; minus strand). Cytogenetic location: 3p21.2.
Variant type: single nucleotide variant.
Coding change: c.138G>A on transcript NM_145071.4 (MANE Select); coding-DNA position 138, G replaced by A.
Protein change: p.Val46=; no amino-acid change (valine 46 retained).
Molecular consequence: synonymous variant.
Genome position (GRCh38, 1-based): chr3:50,608,476, C>T on the plus strand (G>A on the coding strand, the complement: CISH is on the minus strand). VCF-style: chr3-50608476-C-T. GRCh37 (hg19) VCF-style: chr3-50645907-C-T.
Other names: c.189G>A, p.Val63= (NM_013324.7).
Identifiers: ClinVar variation 3029724 (VCV003029724.2), dbSNP rs2471650128, ClinGen allele CA433869760.

ClinVar aggregate classification (germline): Likely benign (0 of 4 stars; one submission).

Conditions:
CISH-related disorder. Also called: CISH-related condition.

Submission:

PreventionGenetics, part of Exact Sciences
Classification: Likely benign for CISH-related condition. Last evaluated: 2022-06-16. Review status: no assertion criteria provided. Collection method: clinical testing. Allele origin: germline.
Comment: This variant is classified as likely benign based on ACMG/AMP sequence variant interpretation guidelines (Richards et al. 2015 PMID: 25741868, with internal and published modifications).